The following is an entry in ClinVar:

ClinVar aggregate classification (germline): Uncertain significance (1 of 4 stars; one submission).

Submission:

Labcorp Genetics (formerly Invitae), Labcorp
Classification: Uncertain significance. Last evaluated: 2022-10-17. Review status: criteria provided, single submitter. Criteria: Invitae Variant Classification Sherloc (09022015). Collection method: clinical testing. Allele origin: germline.
Comment: In summary, the available evidence is currently insufficient to determine the role of this variant in disease. Therefore, it has been classified as a Variant of Uncertain Significance. Advanced modeling of protein sequence and biophysical properties (such as structural, functional, and spatial information, amino acid conservation, physicochemical variation, residue mobility, and thermodynamic stability) performed at Invitae indicates that this missense variant is not expected to disrupt NACC1 protein function. ClinVar contains an entry for this variant (Variation ID: 1393927). This variant has not been reported in the literature in individuals affected with NACC1-related conditions. This variant is not present in population databases (gnomAD no frequency). This sequence change replaces alanine, which is neutral and non-polar, with valine, which is neutral and non-polar, at codon 40 of the NACC1 protein (p.Ala40Val).

NM_052876.4(NACC1):c.119C>T (p.Ala40Val)

Gene: NACC1 (nucleus accumbens associated 1; plus strand). Cytogenetic location: 19p13.13.
Variant type: single nucleotide variant.
Coding change: c.119C>T on transcript NM_052876.4 (MANE Select); coding-DNA position 119, C replaced by T.
Protein change: p.Ala40Val; replaces alanine 40 with valine.
Molecular consequence: missense variant.
Genome position (GRCh38, 1-based): chr19:13,135,326, C>T. VCF-style: chr19-13135326-C-T. GRCh37 (hg19) VCF-style: chr19-13246140-C-T.
Other names: short protein forms A40V.
Identifiers: ClinVar variation 1393927 (VCV001393927.8), dbSNP rs2145623026, ClinGen allele CA404324314.